The following is an entry in ClinVar:

ClinVar aggregate classification (germline): Uncertain significance (1 of 4 stars; one submission).

Allele frequency attached by ClinVar (database versions not stated): gnomAD 0.00001.

Submission:

Labcorp Genetics (formerly Invitae), Labcorp
Classification: Uncertain significance. Last evaluated: 2022-05-09. Review status: criteria provided, single submitter. Criteria: Invitae Variant Classification Sherloc (09022015). Collection method: clinical testing. Allele origin: germline.
Comment: In summary, the available evidence is currently insufficient to determine the role of this variant in disease. Therefore, it has been classified as a Variant of Uncertain Significance. Algorithms developed to predict the effect of missense changes on protein structure and function are either unavailable or do not agree on the potential impact of this missense change (SIFT: "Not Available"; PolyPhen-2: "Possibly Damaging"; Align-GVGD: "Not Available"). This variant has not been reported in the literature in individuals affected with USH1G-related conditions. This variant is not present in population databases (gnomAD no frequency). This sequence change replaces isoleucine, which is neutral and non-polar, with valine, which is neutral and non-polar, at codon 413 of the USH1G protein (p.Ile413Val).

NM_173477.5(USH1G):c.1237A>G (p.Ile413Val)

Gene: USH1G (USH1 protein network component sans; minus strand). Cytogenetic location: 17q25.1.
Variant type: single nucleotide variant.
Coding change: c.1237A>G on transcript NM_173477.5 (MANE Select); coding-DNA position 1237, A replaced by G.
Protein change: p.Ile413Val; replaces isoleucine 413 with valine.
Molecular consequence: missense variant.
Genome position (GRCh38, 1-based): chr17:74,919,599, T>C on the plus strand (A>G on the coding strand, the complement: USH1G is on the minus strand). VCF-style: chr17-74919599-T-C. GRCh37 (hg19) VCF-style: chr17-72915694-T-C.
Other names: c.928A>G, p.Ile310Val (NM_001282489.3); short protein forms I310V, I413V.
Identifiers: ClinVar variation 2135974 (VCV002135974.4), dbSNP rs2038908150, ClinGen allele CA400961391.